The following is an entry in ClinVar:

ClinVar aggregate classification (germline): Likely benign (1 of 4 stars; one submission).

Conditions:
Juvenile polyposis/hereditary hemorrhagic telangiectasia syndrome (JPHT). Also called: JP/HHT SYNDROME; JUVENILE POLYPOSIS WITH HEREDITARY HEMORRHAGIC TELANGIECTASIA; POLYPOSIS, GENERALIZED JUVENILE, WITH PULMONARY ARTERIOVENOUS MALFORMATION; TELANGIECTASIA, HEREDITARY HEMORRHAGIC, WITH JUVENILE POLYPOSIS COLI; Juvenile Polyposis Syndrome / Hereditary Hemorrhagic Telangiectasia (JPS/HHT). Identifiers: Orphanet 2929, MedGen C1832942, MONDO:0008278, OMIM 175050.

Submission:

Myriad Genetics, Inc.
Classification: Likely benign for Juvenile polyposis/hereditary hemorrhagic telangiectasia syndrome. Last evaluated: 2025-03-20. Review status: criteria provided, single submitter. Criteria: Myriad Autosomal Dominant, Autosomal Recessive and X-Linked Classification Criteria (2023). Collection method: clinical testing. Allele origin: unknown.
Comment: This variant is considered likely benign. This variant is intronic and is not expected to impact mRNA splicing.

NM_005359.6(SMAD4):c.788-18G>T

Gene: SMAD4 (SMAD family member 4; plus strand). Cytogenetic location: 18q21.2.
Variant type: single nucleotide variant.
Coding change: c.788-18G>T on transcript NM_005359.6 (MANE Select); 18 bases into the intron before coding-DNA position 788, G replaced by T.
Molecular consequence: intron variant.
Genome position (GRCh38, 1-based): chr18:51,058,322, G>T. VCF-style: chr18-51058322-G-T. GRCh37 (hg19) VCF-style: chr18-48584692-G-T.
Other names: c.788-18G>T (NM_001407042.1, NM_001407041.1, NM_001407043.1).
Identifiers: ClinVar variation 3904028 (VCV003904028.1).
Genomic context (GRCh38, chr18:51,058,322, plus strand): 5'-AAAATCTTTTAAATAGTTGAGAAAAAAGTAGGCAGCCTTTATAAAAGCAAATTAACCCAT[G>T]TGGGCCTTAATTTTTAGACAGCACTACCACCTGGACTGGAAGTAGGACTGCACCATACAC-3'